The following is an entry in ClinVar:

ClinVar aggregate classification (germline): Uncertain significance. Review status: criteria provided, multiple submitters, no conflicts (2 of 4 stars). 4 submissions from 4 submitters: Uncertain significance (3). 1 of the submissions does not count toward it. Last evaluated 2026-09-24.

Conditions:
Choroideremia. Also called: Chorioretinal scalloped atrophy. Identifiers: Orphanet 180, MedGen C0008525, MONDO:0010557, OMIM 303100, HP:0001139.
CHM-related disorder. Also called: CHM-related condition.
Inborn genetic diseases. Identifiers: MedGen C0950123, MeSH D030342.

Allele frequency attached by ClinVar (database versions not stated): gnomAD 0.00001; gnomAD exomes 0.00001; TOPMed 0.00002.
gnomAD v4.1: 9 of 1,209,199 alleles (0.00074%); highest among the groups gnomAD compares: Non-Finnish European, 0.001%; no homozygotes.

Submissions (4):

PreventionGenetics, part of Exact Sciences
Classification: Uncertain significance for CHM-related condition. Last evaluated: 2026-09-24. Review status: criteria provided, single submitter. Criteria: ACMG Guidelines, 2015. Collection method: clinical testing. Allele origin: germline.
Comment: The CHM c.502G>C variant is predicted to result in the amino acid substitution p.Glu168Gln. To our knowledge, this variant has not been reported in the literature. This variant is reported in 0.0012% of alleles in individuals of European (Non-Finnish) descent in gnomAD. At this time, the clinical significance of this variant is uncertain due to the absence of conclusive functional and genetic evidence.

Ambry Genetics
Classification: Uncertain significance for Inborn genetic diseases. Last evaluated: 2024-11-21. Review status: criteria provided, single submitter. Criteria: Ambry Variant Classification Scheme 2023. Collection method: clinical testing. Allele origin: germline.

Labcorp Genetics (formerly Invitae), Labcorp
Classification: Uncertain significance. Last evaluated: 2024-10-10. Review status: criteria provided, single submitter. Criteria: Invitae Variant Classification Sherloc (09022015). Collection method: clinical testing. Allele origin: germline.
Comment: This sequence change replaces glutamic acid, which is acidic and polar, with glutamine, which is neutral and polar, at codon 168 of the CHM protein (p.Glu168Gln). This variant is present in population databases (no rsID available, gnomAD 0.001%), including at least one homozygous and/or hemizygous individual. This variant has not been reported in the literature in individuals affected with CHM-related conditions. ClinVar contains an entry for this variant (Variation ID: 989635). An algorithm developed to predict the effect of missense changes on protein structure and function outputs the following: PolyPhen-2: "Benign". The glutamine amino acid residue is found in multiple mammalian species, which suggests that this missense change does not adversely affect protein function. In summary, the available evidence is currently insufficient to determine the role of this variant in disease. Therefore, it has been classified as a Variant of Uncertain Significance.

Natera, Inc.
Classification: Uncertain significance for Choroideremia. Last evaluated: 2020-08-14. Review status: no assertion criteria provided. Collection method: clinical testing. Allele origin: germline. Not counted in ClinVar's aggregate classification.

NM_000390.4(CHM):c.502G>C (p.Glu168Gln)

Gene: CHM (CHM Rab escort protein; minus strand). Cytogenetic location: Xq21.2.
Variant type: single nucleotide variant.
Coding change: c.502G>C on transcript NM_000390.4 (MANE Select); coding-DNA position 502, G replaced by C.
Protein change: p.Glu168Gln; replaces glutamic acid 168 with glutamine.
Molecular consequence: missense variant.
Genome position (GRCh38, 1-based): chrX:85,963,865, C>G on the plus strand (G>C on the coding strand, the complement: CHM is on the minus strand). VCF-style: chrX-85963865-C-G. GRCh37 (hg19) VCF-style: chrX-85218870-C-G.
Other names: c.58G>C, p.Glu20Gln (NM_001320959.1, NM_001362517.1, NM_001362518.2 and 1 more transcripts); c.502G>C (NM_000390.3, NM_000390.2); short protein forms E168Q, E20Q.
Identifiers: ClinVar variation 989635 (VCV000989635.8), dbSNP rs1023827317, ClinGen allele CA332655371.